The following is an entry in ClinVar:

NM_001854.4(COL11A1):c.3447C>T (p.Pro1149=)

Gene: COL11A1 (collagen type XI alpha 1 chain; minus strand). Cytogenetic location: 1p21.1.
Variant type: single nucleotide variant.
Coding change: c.3447C>T on transcript NM_001854.4 (MANE Select); coding-DNA position 3447, C replaced by T.
Protein change: p.Pro1149=; no amino-acid change (proline 1149 retained).
Molecular consequence: synonymous variant. On other transcripts: non-coding transcript variant (1).
Genome position (GRCh38, 1-based): chr1:102,935,105, G>A on the plus strand (C>T on the coding strand, the complement: COL11A1 is on the minus strand). VCF-style: chr1-102935105-G-A. GRCh37 (hg19) VCF-style: chr1-103400661-G-A.
Other names: c.3330C>T, p.Pro1110= (NM_001190709.2); c.3483C>T, p.Pro1161= (NM_080629.3); c.3099C>T, p.Pro1033= (NM_080630.4).
Identifiers: ClinVar variation 291516 (VCV000291516.44), dbSNP rs141432979, ClinGen allele CA974007.

ClinVar aggregate classification (germline): Conflicting classifications of pathogenicity. Review status: criteria provided, conflicting classifications (1 of 4 stars). 10 submissions from 9 submitters: Uncertain significance (2); Likely benign (6). 2 of the submissions do not count toward it. Last evaluated 2026-01-07.

Conditions:
COL11A1-related disorder. Also called: COL11A1-related condition; COL11A1-related disorders.
Fibrochondrogenesis 1 (FBCG1). Identifiers: Orphanet 2021, MedGen C3278138, MONDO:0009226, OMIM 228520.
Stickler syndrome type 2 (STL2). Also called: STICKLER SYNDROME, BEADED VITREOUS TYPE; STICKLER SYNDROME, VITREOUS TYPE 2; COL11A1-Related Stickler Syndrome; STICKLER SYNDROME, TYPE II. Identifiers: Orphanet 828, Orphanet 90654, MedGen C1858084, MONDO:0011493, OMIM 604841.

Allele frequency attached by ClinVar (database versions not stated): ExAC 0.00005; gnomAD exomes 0.00005 and 0.00006; gnomAD 0.00014 and 0.00015; ESP Exome Variant Server 0.00015; 1000 Genomes Project 30x 0.00016; TOPMed 0.00018; 1000 Genomes Project 0.00020.
gnomAD v4.1: 95 of 1,613,774 alleles (0.0059%); highest among the groups gnomAD compares: African/African-American, 0.061%; no homozygotes.

Submissions (10):

Labcorp Genetics (formerly Invitae), Labcorp
Classification: Likely benign. Last evaluated: 2026-01-07. Review status: criteria provided, single submitter. Criteria: Invitae Variant Classification Sherloc (09022015). Collection method: clinical testing. Allele origin: germline.

Women's Health and Genetics/Laboratory Corporation of America, LabCorp
Classification: Likely benign. Last evaluated: 2026-01-05. Review status: criteria provided, single submitter. Criteria: LabCorp Variant Classification Summary - May 2015. Collection method: clinical testing. Allele origin: germline.

PreventionGenetics, part of Exact Sciences
Classification: Likely benign for COL11A1-related condition. Last evaluated: 2024-10-28. Review status: criteria provided, single submitter. Criteria: ACMG Guidelines, 2015. Collection method: clinical testing. Allele origin: germline.
Comment: This variant is classified as likely benign based on ACMG/AMP sequence variant interpretation guidelines (Richards et al. 2015 PMID: 25741868, with internal and published modifications).

Blueprint Genetics
Classification: Likely benign. Last evaluated: 2023-09-13. Review status: criteria provided, single submitter. Criteria: ACMG Guidelines, 2015. Collection method: clinical testing. Allele origin: germline.

CeGaT Center for Human Genetics Tuebingen
Classification: Likely benign. Last evaluated: 2023-02-01. Review status: criteria provided, single submitter. Criteria: CeGaT Center For Human Genetics Tuebingen Variant Classification Criteria Version 2. Collection method: clinical testing. Allele origin: germline. Affected: yes. Observed: 1 variant allele.
Comment: COL11A1: BP4, BP7

GeneDx
Classification: Likely benign. Last evaluated: 2020-10-06. Review status: criteria provided, single submitter. Criteria: GeneDx Variant Classification Process June 2021. Collection method: clinical testing. Allele origin: germline. Affected: yes.

Illumina Laboratory Services, Illumina
Classification: Uncertain significance for Fibrochondrogenesis 1. Last evaluated: 2018-01-13. Review status: criteria provided, single submitter. Criteria: ICSL Variant Classification Criteria 13 December 2019. Collection method: clinical testing. Allele origin: germline.

Illumina Laboratory Services, Illumina
Classification: Uncertain significance for Stickler syndrome type 2. Last evaluated: 2018-01-13. Review status: criteria provided, single submitter. Criteria: ICSL Variant Classification Criteria 13 December 2019. Collection method: clinical testing. Allele origin: germline.

Clinical Genetics DNA and cytogenetics Diagnostics Lab, Erasmus MC, Erasmus Medical Center
Classification: Likely benign. Review status: no assertion criteria provided. Collection method: clinical testing. Allele origin: germline. Affected: yes. Study: VKGL Data-share Consensus. Not counted in ClinVar's aggregate classification.

Clinical Genetics, Academic Medical Center
Classification: Benign. Review status: no assertion criteria provided. Collection method: clinical testing. Allele origin: germline. Affected: yes. Study: VKGL Data-share Consensus. Not counted in ClinVar's aggregate classification.